The following is an entry in ClinVar:

NM_014425.5(INVS):c.1675G>A (p.Ala559Thr)

Gene: INVS (inversin; plus strand). Cytogenetic location: 9q31.1.
Variant type: single nucleotide variant.
Coding change: c.1675G>A on transcript NM_014425.5 (MANE Select); coding-DNA position 1675, G replaced by A.
Protein change: p.Ala559Thr; replaces alanine 559 with threonine.
Molecular consequence: missense variant. On other transcripts: non-coding transcript variant (1).
Genome position (GRCh38, 1-based): chr9:100,272,967, G>A. VCF-style: chr9-100272967-G-A. GRCh37 (hg19) VCF-style: chr9-103035249-G-A.
Other names: c.1387G>A, p.Ala463Thr (NM_001318381.2); c.697G>A, p.Ala233Thr (NM_001318382.2); c.1675G>A (NM_014425.4); short protein forms A233T, A463T, A559T.
Identifiers: ClinVar variation 841405 (VCV000841405.9), dbSNP rs199553226, ClinGen allele CA5158465.

ClinVar aggregate classification (germline): Uncertain significance. Review status: criteria provided, multiple submitters, no conflicts (2 of 4 stars). 3 submissions from 3 submitters: Uncertain significance (2). 1 of the submissions does not count toward it. Last evaluated 2024-10-16.

Conditions:
Nephronophthisis. Also called: Juvenile Nephronophthisis. Identifiers: Orphanet 655, MedGen C0687120, MONDO:0019005, HP:0000090.
Infantile nephronophthisis (NPHP2). Also called: Nephronophthisis 2; Nephronophthisis 2, infantile. Identifiers: Orphanet 655, Orphanet 93591, MedGen C1865872, MONDO:0011190, OMIM 602088.
INVS-related disorder. Also called: INVS-related condition.

Allele frequency attached by ClinVar (database versions not stated): gnomAD exomes 0.00005 and 0.00011; ExAC 0.00006; TOPMed 0.00006; ESP Exome Variant Server 0.00008; gnomAD 0.00009.
gnomAD v4.1: 168 of 1,613,890 alleles (0.01%); highest among the groups gnomAD compares: Non-Finnish European, 0.013%; no homozygotes.

Submissions (3):

Labcorp Genetics (formerly Invitae), Labcorp
Classification: Uncertain significance for Nephronophthisis. Last evaluated: 2024-10-16. Review status: criteria provided, single submitter. Criteria: Invitae Variant Classification Sherloc (09022015). Collection method: clinical testing. Allele origin: germline.
Comment: This sequence change replaces alanine, which is neutral and non-polar, with threonine, which is neutral and polar, at codon 559 of the INVS protein (p.Ala559Thr). This variant is present in population databases (rs199553226, gnomAD 0.009%). This missense change has been observed in individual(s) with clinical features of INVS-related conditions (PMID: 31308072). ClinVar contains an entry for this variant (Variation ID: 841405). An algorithm developed to predict the effect of missense changes on protein structure and function (PolyPhen-2) suggests that this variant is likely to be disruptive. In summary, the available evidence is currently insufficient to determine the role of this variant in disease. Therefore, it has been classified as a Variant of Uncertain Significance.

Fulgent Genetics
Classification: Uncertain significance for Infantile nephronophthisis. Last evaluated: 2024-05-24. Review status: criteria provided, single submitter. Criteria: ACMG Guidelines, 2015. Collection method: clinical testing. Allele origin: germline.

PreventionGenetics, part of Exact Sciences
Classification: Uncertain significance for INVS-related condition. Last evaluated: 2024-05-30. Review status: no assertion criteria provided. Collection method: clinical testing. Allele origin: germline. Not counted in ClinVar's aggregate classification.
Comment: The INVS c.1675G>A variant is predicted to result in the amino acid substitution p.Ala559Thr. This variant has been reported, along with another variant in INVS, in an individual undergoing testing for focal segmental glomerulosclerosis (Table S4, Wang et al. 2019. PubMed ID: 31308072). This variant is reported in 0.010% of alleles in individuals of European (Non-Finnish) descent in gnomAD. At this time, the clinical significance of this variant is uncertain due to the absence of conclusive functional and genetic evidence.

Literature cited by the submitters: PubMed 31308072 (cited by Labcorp Genetics (formerly Invitae), Labcorp).